The following is an entry in ClinVar:

NM_006509.4(RELB):c.1247C>T (p.Pro416Leu)

Gene: RELB (RELB proto-oncogene, NF-kB subunit; plus strand). Cytogenetic location: 19q13.32.
Variant type: single nucleotide variant.
Coding change: c.1247C>T on transcript NM_006509.4 (MANE Select); coding-DNA position 1247, C replaced by T.
Protein change: p.Pro416Leu; replaces proline 416 with leucine.
Molecular consequence: missense variant.
Genome position (GRCh38, 1-based): chr19:45,034,283, C>T. VCF-style: chr19-45034283-C-T. GRCh37 (hg19) VCF-style: chr19-45537541-C-T.
Other names: short protein forms P416L.
Identifiers: ClinVar variation 1353300 (VCV001353300.8), dbSNP rs756253759, ClinGen allele CA406306877.

ClinVar aggregate classification (germline): Uncertain significance (1 of 4 stars; one submission).

Submission:

Labcorp Genetics (formerly Invitae), Labcorp
Classification: Uncertain significance. Last evaluated: 2021-05-12. Review status: criteria provided, single submitter. Criteria: Invitae Variant Classification Sherloc (09022015). Collection method: clinical testing. Allele origin: germline.
Comment: Algorithms developed to predict the effect of missense changes on protein structure and function (SIFT, PolyPhen-2, Align-GVGD) all suggest that this variant is likely to be disruptive, but these predictions have not been confirmed by published functional studies and their clinical significance is uncertain. This sequence change replaces proline with leucine at codon 416 of the RELB protein (p.Pro416Leu). The proline residue is highly conserved and there is a moderate physicochemical difference between proline and leucine. This variant is not present in population databases (ExAC no frequency). This variant has not been reported in the literature in individuals with RELB-related conditions. In summary, the available evidence is currently insufficient to determine the role of this variant in disease. Therefore, it has been classified as a Variant of Uncertain Significance.